The following is an entry in ClinVar:

ClinVar aggregate classification (germline): Pathogenic/Likely pathogenic. Review status: criteria provided, multiple submitters, no conflicts (2 of 4 stars). 3 submissions from 3 submitters: Pathogenic (2); Likely pathogenic (1). Last evaluated 2025-11-07.

Conditions:
Arrhythmogenic right ventricular dysplasia 9 (ARVD9). Also called: Arrhythmogenic Right Ventricular Dysplasia/Cardiomyopathy 9; ARRHYTHMOGENIC RIGHT VENTRICULAR DYSPLASIA, FAMILIAL, 9. Identifiers: MedGen C1836906, MONDO:0012180, OMIM 609040.
Cardiovascular phenotype. Identifiers: MedGen CN230736.

Submissions (3):

Ambry Genetics
Classification: Pathogenic for Cardiovascular phenotype. Last evaluated: 2025-11-07. Review status: criteria provided, single submitter. Criteria: Ambry Variant Classification Scheme 2023. Collection method: clinical testing. Allele origin: germline.
Comment: The c.986_992delGTGGGAA (p.S329Ifs*21) alteration, located in exon 3 (coding exon 3) of the PKP2 gene, consists of a deletion of 7 nucleotides from position 986 to 992, causing a translational frameshift with a predicted alternate stop codon after 21 amino acids. This alteration is expected to result in loss of function by premature protein truncation or nonsense-mediated mRNA decay. This variant was not reported in population-based cohorts in the Genome Aggregation Database (gnomAD). This variant was reported in individual(s) with features consistent with PKP2-related arrhythmogenic right ventricular cardiomyopathy (Christensen, 2010). Based on the available evidence, this alteration is classified as pathogenic.

Labcorp Genetics (formerly Invitae), Labcorp
Classification: Pathogenic for Arrhythmogenic right ventricular dysplasia 9. Last evaluated: 2025-06-24. Review status: criteria provided, single submitter. Criteria: Invitae Variant Classification Sherloc (09022015). Collection method: clinical testing. Allele origin: germline.
Comment: This sequence change creates a premature translational stop signal (p.Ser329Ilefs*21) in the PKP2 gene. It is expected to result in an absent or disrupted protein product. Loss-of-function variants in PKP2 are known to be pathogenic (PMID: 15489853, 17041889, 23911551). This variant is not present in population databases (gnomAD no frequency). This variant has not been reported in the literature in individuals affected with PKP2-related conditions. ClinVar contains an entry for this variant (Variation ID: 524078). For these reasons, this variant has been classified as Pathogenic.

GeneDx
Classification: Likely pathogenic. Last evaluated: 2018-04-02. Review status: criteria provided, single submitter. Criteria: GeneDx Variant Classification (06012015). Collection method: clinical testing. Allele origin: germline. Affected: yes.
Comment: The c.986_992delGTGGGAA variant in the PKP2 gene has not been reported previously as a pathogenic variant nor as a benign variant, to our knowledge. The c.986_992delGTGGGAA variant causes a frameshift starting with codon Serine 329, changes this amino acid to an Isoleucine residue, and creates a premature Stop codon at position 21 of the new reading frame, denoted p.Ser329IlefsX21. This variant is predicted to cause loss of normal protein function either through protein truncation or nonsense-mediated mRNA decay. The c.986_992delGTGGGAA variant is not observed in large population cohorts (Lek et al., 2016). We interpret c.986_992delGTGGGAA as a likely pathogenic variant.

Literature cited by the submitters: PubMed 19955750 (cited by Ambry Genetics); PubMed 15489853 (cited by Labcorp Genetics (formerly Invitae), Labcorp); PubMed 17041889 (cited by Labcorp Genetics (formerly Invitae), Labcorp); PubMed 23911551 (cited by Labcorp Genetics (formerly Invitae), Labcorp).

NM_001005242.3(PKP2):c.986_992del (p.Ser329fs)

Gene: PKP2 (plakophilin 2; minus strand). Cytogenetic location: 12p11.21.
Variant type: Deletion.
Coding change: c.986_992del on transcript NM_001005242.3 (MANE Select); coding-DNA positions 986 to 992, 7 bases deleted (GTGGGAA; older notation c.986_992delGTGGGAA).
Protein change: p.Ser329fs; shifts the reading frame from serine 329.
Molecular consequence: frameshift variant.
Genome position (GRCh38, 1-based): chr12:32,877,888-32,877,894, TTCCCAC deleted on the plus strand (GTGGGAA on the coding strand, the reverse complement: PKP2 is on the minus strand); deleting any 7 consecutive bases within chr12:32,877,888-32,877,899 gives the same sequence; the c. name uses the placement nearest the transcript's 3' end. VCF-style (leftmost placement, unchanged base first): chr12-32877887-ATTCCCAC-A. GRCh37 (hg19) VCF-style: chr12-33030821-ATTCCCAC-A.
Other names: c.986_992delGTGGGAA (NM_004572.3); c.986_992del, p.Ser329fs (NM_004572.4); short protein forms S329fs.
Identifiers: ClinVar variation 524078 (VCV000524078.7), dbSNP rs1373300155, ClinGen allele CA658797862.
Genomic context (GRCh38, chr12:32,877,887, plus strand): 5'-GAGTCAGGAGGGGACTTACCCCAGCTGGGAGTCAGTGAAAGTGCTTCTCTCAGTGAGCAG[ATTCCCAC>A]TTCCCCCTGCGGCCGCCTGGCCGACAGTCAAGTGCGCTCTCCTCCCGCTGGAATCCACGG-3'